The following is an entry in ClinVar:

NM_000292.3(PHKA2):c.10A>G (p.Arg4Gly)

Gene: PHKA2 (phosphorylase kinase regulatory subunit alpha 2; minus strand). Cytogenetic location: Xp22.13.
Variant type: single nucleotide variant.
Coding change: c.10A>G on transcript NM_000292.3 (MANE Select); coding-DNA position 10, A replaced by G.
Protein change: p.Arg4Gly; replaces arginine 4 with glycine.
Molecular consequence: missense variant.
Genome position (GRCh38, 1-based): chrX:18,983,923, T>C on the plus strand (A>G on the coding strand, the complement: PHKA2 is on the minus strand). VCF-style: chrX-18983923-T-C. GRCh37 (hg19) VCF-style: chrX-19002041-T-C.
Other names: short protein forms R4G.
Identifiers: ClinVar variation 3360415 (VCV003360415.1).

ClinVar aggregate classification (germline): Uncertain significance (1 of 4 stars; one submission).

gnomAD v4.1: 2 of 1,210,618 alleles (0.00017%); highest among the groups gnomAD compares: Non-Finnish European, 0.00022%; no homozygotes.

Submission:

GeneDx
Classification: Uncertain significance. Last evaluated: 2023-06-27. Review status: criteria provided, single submitter. Criteria: GeneDx Variant Classification Process June 2021. Collection method: clinical testing. Allele origin: germline. Affected: yes.
Comment: Not observed at significant frequency in large population cohorts (gnomAD); In silico analysis supports that this missense variant has a deleterious effect on protein structure/function; Has not been previously published as pathogenic or benign to our knowledge